The following is an entry in ClinVar:

ClinVar aggregate classification (germline): Uncertain significance. Review status: criteria provided, multiple submitters, no conflicts (2 of 4 stars). 4 submissions from 4 submitters: Uncertain significance (4). Last evaluated 2025-06-16.

Conditions:
HSD3B7-related disorder. Also called: HSD3B7-related condition.
Inborn genetic diseases. Identifiers: MedGen C0950123, MeSH D030342.

Allele frequency attached by ClinVar (database versions not stated): ESP Exome Variant Server 0.00015; TOPMed 0.00025; gnomAD 0.00029 and 0.00030; gnomAD exomes 0.00029 and 0.00034; ExAC 0.00033.

Submissions (4):

PreventionGenetics, part of Exact Sciences
Classification: Uncertain significance for HSD3B7-related condition. Last evaluated: 2025-06-16. Review status: criteria provided, single submitter. Criteria: ACMG Guidelines, 2015. Collection method: clinical testing. Allele origin: germline.
Comment: The HSD3B7 c.608G>A variant is predicted to result in the amino acid substitution p.Arg203Lys. To our knowledge, this variant has not been reported in the literature. This variant is reported in 0.051% of alleles in individuals of European (Non-Finnish) descent in gnomAD. Although we suspect that this variant may be benign, at this time, the clinical significance of this variant is uncertain due to the absence of conclusive functional and genetic evidence.

Ambry Genetics
Classification: Uncertain significance for Inborn genetic diseases. Last evaluated: 2024-12-04. Review status: criteria provided, single submitter. Criteria: Ambry Variant Classification Scheme 2023. Collection method: clinical testing. Allele origin: germline.

Labcorp Genetics (formerly Invitae), Labcorp
Classification: Uncertain significance. Last evaluated: 2024-10-23. Review status: criteria provided, single submitter. Criteria: Invitae Variant Classification Sherloc (09022015). Collection method: clinical testing. Allele origin: germline.
Comment: This sequence change replaces arginine, which is basic and polar, with lysine, which is basic and polar, at codon 203 of the HSD3B7 protein (p.Arg203Lys). This variant is present in population databases (rs201349611, gnomAD 0.05%). This variant has not been reported in the literature in individuals affected with HSD3B7-related conditions. ClinVar contains an entry for this variant (Variation ID: 501857). Invitae Evidence Modeling of protein sequence and biophysical properties (such as structural, functional, and spatial information, amino acid conservation, physicochemical variation, residue mobility, and thermodynamic stability) indicates that this missense variant is not expected to disrupt HSD3B7 protein function with a negative predictive value of 80%. In summary, the available evidence is currently insufficient to determine the role of this variant in disease. Therefore, it has been classified as a Variant of Uncertain Significance.

Eurofins Ntd Llc (ga)
Classification: Uncertain significance. Last evaluated: 2018-01-19. Review status: criteria provided, single submitter. Criteria: EGL Classification Definitions 2015. Collection method: clinical testing. Allele origin: germline. Observed: 2 variant alleles, 2 heterozygotes.

NM_025193.4(HSD3B7):c.608G>A (p.Arg203Lys)

Gene: HSD3B7 (hydroxy-delta-5-steroid dehydrogenase, 3 beta- and steroid delta-isomerase 7; plus strand). Cytogenetic location: 16p11.2.
Variant type: single nucleotide variant.
Coding change: c.608G>A on transcript NM_025193.4 (MANE Select); coding-DNA position 608, G replaced by A.
Protein change: p.Arg203Lys; replaces arginine 203 with lysine.
Molecular consequence: missense variant. On other transcripts: intron variant (2).
Genome position (GRCh38, 1-based): chr16:30,986,916, G>A. VCF-style: chr16-30986916-G-A. GRCh37 (hg19) VCF-style: chr16-30998237-G-A.
Other names: c.531+212G>A (NM_001142777.2, NM_001142778.2); c.608G>A (NM_025193.3); short protein forms R203K.
Identifiers: ClinVar variation 501857 (VCV000501857.12), dbSNP rs201349611, ClinGen allele CA8018051.
Genomic context (GRCh38, chr16:30,986,916, plus strand): 5'-CCCTGGTGACGTGTGCCCTTCGTCCCACGGGCATCTACGGTGAAGGCCACCAGATCATGA[G>A]GGACTTCTACCGCCAGGGCCTGCGCCTGGGAGGTTGGCTCTTCCGGGCCATCCCGGCCTC-3'
Protein context (NP_079469.2, residues 193-213): GIYGEGHQIM[Arg203Lys]DFYRQGLRLG